The following is an entry in ClinVar:

ClinVar aggregate classification (germline): Uncertain significance (1 of 4 stars; one submission).

Allele frequency attached by ClinVar (database versions not stated): gnomAD exomes below 0.00001; TOPMed below 0.00001; gnomAD 0.00001.

Submission:

GeneDx
Classification: Uncertain significance. Last evaluated: 2023-12-12. Review status: criteria provided, single submitter. Criteria: GeneDx Variant Classification Process June 2021. Collection method: clinical testing. Allele origin: germline. Affected: yes.
Comment: Not observed at significant frequency in large population cohorts (gnomAD); In silico analysis supports that this missense variant has a deleterious effect on protein structure/function; Has not been previously published as pathogenic or benign to our knowledge

NM_001256864.2(DNAJC6):c.968C>T (p.Ser323Leu)

Gene: DNAJC6 (DnaJ heat shock protein family (Hsp40) member C6; plus strand). Cytogenetic location: 1p31.3.
Variant type: single nucleotide variant.
Coding change: c.968C>T on transcript NM_001256864.2 (MANE Select); coding-DNA position 968, C replaced by T.
Protein change: p.Ser323Leu; replaces serine 323 with leucine.
Molecular consequence: missense variant.
Genome position (GRCh38, 1-based): chr1:65,385,879, C>T. VCF-style: chr1-65385879-C-T. GRCh37 (hg19) VCF-style: chr1-65851562-C-T.
Other names: c.758C>T, p.Ser253Leu (NM_001256865.2); c.797C>T, p.Ser266Leu (NM_014787.4); short protein forms S253L, S266L, S323L.
Identifiers: ClinVar variation 3253523 (VCV003253523.1), dbSNP rs1645866980.